The following is an entry in ClinVar:

NM_182961.4(SYNE1):c.18185C>T (p.Ser6062Leu)

Gene: SYNE1 (spectrin repeat containing nuclear envelope protein 1; minus strand). Cytogenetic location: 6q25.2.
Variant type: single nucleotide variant.
Coding change: c.18185C>T on transcript NM_182961.4 (MANE Select); coding-DNA position 18185, C replaced by T.
Protein change: p.Ser6062Leu; replaces serine 6062 with leucine.
Molecular consequence: missense variant.
Genome position (GRCh38, 1-based): chr6:152,284,000, G>A on the plus strand (C>T on the coding strand, the complement: SYNE1 is on the minus strand). VCF-style: chr6-152284000-G-A. GRCh37 (hg19) VCF-style: chr6-152605135-G-A.
Other names: p.Ser5991Leu; c.18185C>T (NM_182961.2); c.17972C>T, p.Ser5991Leu (NM_033071.5); short protein forms S5991L, S6062L.
Identifiers: ClinVar variation 285298 (VCV000285298.25), dbSNP rs139790539, ClinGen allele CA4055039.

ClinVar aggregate classification (germline): Benign. Review status: criteria provided, multiple submitters, no conflicts (2 of 4 stars). 10 submissions from 9 submitters: Benign (7). 3 of the submissions do not count toward it. Last evaluated 2026-01-21.

Conditions:
Autosomal recessive ataxia, Beauce type. Also called: Spinocerebellar ataxia, autosomal recessive 8; ATAXIA, RECESSIVE, OF BEAUCE; SYNE1 Deficiency; SYNE1-Related Autosomal Recessive Cerebellar Ataxia. Identifiers: Orphanet 88644, MedGen C1853116, MONDO:0012549, OMIM 610743.
Emery-Dreifuss muscular dystrophy 4, autosomal dominant (EDMD4). Also called: EMERY-DREIFUSS MUSCULAR DYSTROPHY 4 WITH VARIABLE FEATURES. Identifiers: Orphanet 261, MedGen C2751807, MONDO:0013071, OMIM 612998.

Allele frequency attached by ClinVar (database versions not stated): 1000 Genomes Project 0.00080; 1000 Genomes Project 30x 0.00094; ESP Exome Variant Server 0.00185; gnomAD 0.00220 and 0.00237; ExAC 0.00287; gnomAD exomes 0.00325; TOPMed 0.00331.
gnomAD v4.1: 1,499 of 1,614,164 alleles (0.093%); highest among the groups gnomAD compares: Admixed American, 1.6%; 18 homozygotes.

Submissions (10):

Labcorp Genetics (formerly Invitae), Labcorp
Classification: Benign for Emery-Dreifuss muscular dystrophy 4, autosomal dominant; Autosomal recessive ataxia, Beauce type. Last evaluated: 2026-01-21. Review status: criteria provided, single submitter. Criteria: Invitae Variant Classification Sherloc (09022015). Collection method: clinical testing. Allele origin: germline.

Mayo Clinic Laboratories, Mayo Clinic
Classification: Benign. Last evaluated: 2025-08-13. Review status: criteria provided, single submitter. Criteria: ACMG Guidelines, 2015. Collection method: clinical testing. Allele origin: germline. Observed: 2 variant alleles.
Comment: BA1, BS2, BP4

Athena Diagnostics
Classification: Benign. Last evaluated: 2025-05-14. Review status: criteria provided, single submitter. Criteria: Athena Diagnostics Criteria. Collection method: clinical testing. Allele origin: unknown.
Comment: The frequency of this variant in the general population is higher than would generally be expected for pathogenic variants in this gene.

Illumina Laboratory Services, Illumina
Classification: Benign for Emery-Dreifuss muscular dystrophy 4, autosomal dominant. Last evaluated: 2018-01-12. Review status: criteria provided, single submitter. Criteria: ICSL Variant Classification Criteria 13 December 2019. Collection method: clinical testing. Allele origin: germline.
Comment: This variant was observed in the ICSL laboratory as part of a predisposition screen in an ostensibly healthy population. It had not been previously curated by ICSL or reported in the Human Gene Mutation Database (HGMD: prior to June 1st, 2018), and was therefore a candidate for classification through an automated scoring system. Utilizing variant allele frequency, disease prevalence and penetrance estimates, and inheritance mode, an automated score was calculated to assess if this variant is too frequent to cause the disease. Based on the score and internal cut-off values, a variant classified as benign is not then subjected to further curation. The score for this variant resulted in a classification of benign for this disease.

Illumina Laboratory Services, Illumina
Classification: Benign for Autosomal recessive ataxia, Beauce type. Last evaluated: 2018-01-12. Review status: criteria provided, single submitter. Criteria: ICSL Variant Classification Criteria 13 December 2019. Collection method: clinical testing. Allele origin: germline.
Comment: the same text as in the submission from Illumina Laboratory Services, Illumina above.

GeneDx
Classification: Benign. Last evaluated: 2016-10-13. Review status: criteria provided, single submitter. Criteria: GeneDx Variant Classification (06012015). Collection method: clinical testing. Allele origin: germline. Affected: yes.
Comment: This variant is considered likely benign or benign based on one or more of the following criteria: it is a conservative change, it occurs at a poorly conserved position in the protein, it is predicted to be benign by multiple in silico algorithms, and/or has population frequency not consistent with disease.

Eurofins Ntd Llc (ga)
Classification: Benign. Last evaluated: 2016-01-08. Review status: criteria provided, single submitter. Criteria: EGL Classification Definitions 2015. Collection method: clinical testing. Allele origin: germline. Observed: 1 variant allele, 1 heterozygote.

Clinical Genetics DNA and cytogenetics Diagnostics Lab, Erasmus MC, Erasmus Medical Center
Classification: Benign. Review status: no assertion criteria provided. Collection method: clinical testing. Allele origin: germline. Affected: yes. Study: VKGL Data-share Consensus. Not counted in ClinVar's aggregate classification.

Genome Diagnostics Laboratory, University Medical Center Utrecht
Classification: Likely benign. Review status: no assertion criteria provided. Collection method: clinical testing. Allele origin: germline. Affected: yes. Study: VKGL Data-share Consensus. Not counted in ClinVar's aggregate classification.

Laboratory of Diagnostic Genome Analysis, Leiden University Medical Center (LUMC)
Classification: Likely benign. Review status: no assertion criteria provided. Collection method: clinical testing. Allele origin: germline. Affected: yes. Study: VKGL Data-share Consensus. Not counted in ClinVar's aggregate classification.

Literature cited by the submitters: PubMed 39747123 (cited by Athena Diagnostics); PubMed 34482403 (cited by Athena Diagnostics).